The following is an entry in ClinVar:

ClinVar aggregate classification (germline): Uncertain significance (1 of 4 stars; one submission).

Submission:

Labcorp Genetics (formerly Invitae), Labcorp
Classification: Uncertain significance. Last evaluated: 2022-07-11. Review status: criteria provided, single submitter. Criteria: Invitae Variant Classification Sherloc (09022015). Collection method: clinical testing. Allele origin: germline.
Comment: This variant is not present in population databases (gnomAD no frequency). In summary, the available evidence is currently insufficient to determine the role of this variant in disease. Therefore, it has been classified as a Variant of Uncertain Significance. Algorithms developed to predict the effect of missense changes on protein structure and function are either unavailable or do not agree on the potential impact of this missense change (SIFT: "Not Available"; PolyPhen-2: "Probably Damaging"; Align-GVGD: "Not Available"). ClinVar contains an entry for this variant (Variation ID: 1406729). This variant has not been reported in the literature in individuals affected with LCT-related conditions. This sequence change replaces leucine with histidine at codon 1890 of the LCT protein (p.Leu1890His). The leucine residue is highly conserved and there is a moderate physicochemical difference between leucine and histidine.

NM_002299.4(LCT):c.5669T>A (p.Leu1890His)

Gene: LCT (lactase; minus strand). Cytogenetic location: 2q21.3.
Variant type: single nucleotide variant.
Coding change: c.5669T>A on transcript NM_002299.4 (MANE Select); coding-DNA position 5669, T replaced by A.
Protein change: p.Leu1890His; replaces leucine 1890 with histidine.
Molecular consequence: missense variant.
Genome position (GRCh38, 1-based): chr2:135,788,439, A>T on the plus strand (T>A on the coding strand, the complement: LCT is on the minus strand). VCF-style: chr2-135788439-A-T. GRCh37 (hg19) VCF-style: chr2-136546009-A-T.
Other names: short protein forms L1890H.
Identifiers: ClinVar variation 1406729 (VCV001406729.6), dbSNP rs2105515437, ClinGen allele CA348584301.